The following is an entry in ClinVar:

NM_002335.4(LRP5):c.1240G>A (p.Glu414Lys)

Gene: LRP5 (LDL receptor related protein 5; plus strand). Cytogenetic location: 11q13.2.
Variant type: single nucleotide variant.
Coding change: c.1240G>A on transcript NM_002335.4 (MANE Select); coding-DNA position 1240, G replaced by A.
Protein change: p.Glu414Lys; replaces glutamic acid 414 with lysine.
Molecular consequence: missense variant. On other transcripts: 5 prime UTR variant (1).
Genome position (GRCh38, 1-based): chr11:68,386,540, G>A. VCF-style: chr11-68386540-G-A. GRCh37 (hg19) VCF-style: chr11-68154008-G-A.
Other names: c.-526G>A (NM_001291902.2); short protein forms E414K.
Identifiers: ClinVar variation 1365266 (VCV001365266.7), dbSNP rs770664323, ClinGen allele CA6149281.
Genomic context (GRCh38, chr11:68,386,540, plus strand): 5'-GTGCGGGCCATCCGCAGGGCGTACCTGGACGGGTCTGGGGCGCAGACGCTGGTCAACACC[G>A]AGATCAACGACCCCGATGGCATCGCGGTCGACTGGGTGGCCCGAAACCTCTACTGGACCG-3'
Protein context (NP_002326.2, residues 404-424): GSGAQTLVNT[Glu414Lys]INDPDGIAVD

ClinVar aggregate classification (germline): Uncertain significance. Review status: criteria provided, multiple submitters, no conflicts (2 of 4 stars). 2 submissions from 2 submitters: Uncertain significance (2). Last evaluated 2026-01-28.

Conditions:
Exudative vitreoretinopathy 4 (EVR4). Identifiers: Orphanet 891, MedGen C1866176, MONDO:0011151, OMIM 601813.
Bone mineral density quantitative trait locus 1 (BMND1). Identifiers: MedGen C1866079, OMIM 601884.
Worth disease. Also called: ENDOSTEAL HYPEROSTOSIS, AUTOSOMAL DOMINANT; OSTEOSCLEROSIS, AUTOSOMAL DOMINANT; Autosomal dominant osteosclerosis, Worth type. Identifiers: Orphanet 2790, MedGen C0432273, MONDO:0007764, OMIM 144750.
Osteoporosis with pseudoglioma (OPPG). Also called: osteoporosis-pseudoglioma syndrome. Identifiers: Orphanet 2788, MedGen C0432252, MONDO:0009820, OMIM 259770.
Polycystic liver disease 4 with or without kidney cysts. Identifiers: MedGen C4693479, MONDO:0044327, OMIM 617875.
Autosomal dominant osteopetrosis 1 (OPTA1). Also called: OSTEOPETROSIS, AUTOSOMAL DOMINANT, TYPE I. Identifiers: Orphanet 2783, MedGen C1843330, MONDO:0011877, OMIM 607634.

Allele frequency attached by ClinVar (database versions not stated): gnomAD exomes below 0.00001; gnomAD 0.00001; ExAC 0.00002.
gnomAD v4.1: 7 of 1,613,802 alleles (0.00043%); highest among the groups gnomAD compares: Non-Finnish European, 0.00051%; no homozygotes.

Submissions (2):

Labcorp Genetics (formerly Invitae), Labcorp
Classification: Uncertain significance. Last evaluated: 2026-01-28. Review status: criteria provided, single submitter. Criteria: Invitae Variant Classification Sherloc (09022015). Collection method: clinical testing. Allele origin: germline.
Comment: This sequence change replaces glutamic acid, which is acidic and polar, with lysine, which is basic and polar, at codon 414 of the LRP5 protein (p.Glu414Lys). This variant is present in population databases (rs770664323, gnomAD 0.0009%). This variant has not been reported in the literature in individuals affected with LRP5-related conditions. ClinVar contains an entry for this variant (Variation ID: 1365266). Invitae Evidence Modeling of protein sequence and biophysical properties (such as structural, functional, and spatial information, amino acid conservation, physicochemical variation, residue mobility, and thermodynamic stability) has been performed for this missense variant. However, the output from this modeling did not meet the statistical confidence thresholds required to predict the impact of this variant on LRP5 protein function. In summary, the available evidence is currently insufficient to determine the role of this variant in disease. Therefore, it has been classified as a Variant of Uncertain Significance.

Fulgent Genetics
Classification: Uncertain significance for Worth disease; Osteoporosis with pseudoglioma; Exudative vitreoretinopathy 4; Bone mineral density quantitative trait locus 1; Autosomal dominant osteopetrosis 1; Polycystic liver disease 4 with or without kidney cysts. Last evaluated: 2024-03-26. Review status: criteria provided, single submitter. Criteria: ACMG Guidelines, 2015. Collection method: clinical testing. Allele origin: germline.